The following is an entry in ClinVar:

NM_016507.4(CDK12):c.2039T>A (p.Leu680Gln)

Gene: CDK12 (cyclin dependent kinase 12; plus strand). Cytogenetic location: 17q12.
Variant type: single nucleotide variant.
Coding change: c.2039T>A on transcript NM_016507.4 (MANE Select); coding-DNA position 2039, T replaced by A.
Protein change: p.Leu680Gln; replaces leucine 680 with glutamine.
Molecular consequence: missense variant.
Genome position (GRCh38, 1-based): chr17:39,490,664, T>A. VCF-style: chr17-39490664-T-A. GRCh37 (hg19) VCF-style: chr17-37646917-T-A.
Other names: c.2039T>A, p.Leu680Gln (NM_015083.4); short protein forms L680Q.
Identifiers: ClinVar variation 4224429 (VCV004224429.1).
Genomic context (GRCh38, chr17:39,490,664, plus strand): 5'-AGAGGACACGTCACTTACTCACAGACCTTCCTCTCCCTCCAGAGCTCCCTGGTGGAGATC[T>A]GTCTCCCCCAGACTCTCCAGAACCAAAGGCAATCACACCACCTCAGCAACCATATAAAAA-3'
Protein context (NP_057591.2, residues 670-690): PLPPELPGGD[Leu680Gln]SPPDSPEPKA

ClinVar aggregate classification (germline): Uncertain significance (1 of 4 stars; one submission).

Submission:

Ambry Genetics
Classification: Uncertain significance. Last evaluated: 2025-08-31. Review status: criteria provided, single submitter. Criteria: Ambry Variant Classification Scheme 2023. Collection method: clinical testing. Allele origin: germline.
Comment: The p.L680Q variant (also known as c.2039T>A), located in coding exon 3 of the CDK12 gene, results from a T to A substitution at nucleotide position 2039. The leucine at codon 680 is replaced by glutamine, an amino acid with dissimilar properties. This amino acid position is conserved. In addition, this alteration is predicted to be tolerated by in silico analysis. Based on the available evidence, the clinical significance of this variant remains unclear.